The following is an entry in ClinVar:

NM_021930.6(RINT1):c.214A>C (p.Lys72Gln)

Gene: RINT1 (RAD50 interactor 1; plus strand). Cytogenetic location: 7q22.3.
Variant type: single nucleotide variant.
Coding change: c.214A>C on transcript NM_021930.6 (MANE Select); coding-DNA position 214, A replaced by C.
Protein change: p.Lys72Gln; replaces lysine 72 with glutamine.
Molecular consequence: missense variant. On other transcripts: 5 prime UTR variant (3), non-coding transcript variant (1), intron variant (1).
Genome position (GRCh38, 1-based): chr7:105,536,690, A>C. VCF-style: chr7-105536690-A-C. GRCh37 (hg19) VCF-style: chr7-105177137-A-C.
Other names: c.-806A>C (NM_001346600.2); c.-709A>C (NM_001346601.2); c.-329A>C (NM_001346603.2); c.39+78A>C (NM_001346599.2); short protein forms K72Q.
Identifiers: ClinVar variation 3314410 (VCV003314410.1).
Genomic context (GRCh38, chr7:105,536,690, plus strand): 5'-CTCCCTTCTTATGTGTCTGCATTCATAGAAAAGGAAGTTGGAAATGACCTTAAATCTTTA[A>C]AGAAACTTGATAAACTCATAGAACAGAGGACAGTAAGTAAAATGCAGTTAGAAGAACAGG-3'
Protein context (NP_068749.3, residues 62-82): KEVGNDLKSL[Lys72Gln]KLDKLIEQRT

ClinVar aggregate classification (germline): Uncertain significance (1 of 4 stars; one submission).

Submission:

Ambry Genetics
Classification: Uncertain significance. Last evaluated: 2024-04-11. Review status: criteria provided, single submitter. Criteria: Ambry Variant Classification Scheme 2023. Collection method: clinical testing. Allele origin: germline.
Comment: The p.K72Q variant (also known as c.214A>C), located in coding exon 3 of the RINT1 gene, results from an A to C substitution at nucleotide position 214. The lysine at codon 72 is replaced by glutamine, an amino acid with similar properties. This amino acid position is conserved. In addition, this alteration is predicted to be tolerated by in silico analysis. Based on the available evidence, the clinical significance of this variant remains unclear.